The following is an entry in ClinVar:

ClinVar aggregate classification (germline): Likely benign. Review status: criteria provided, multiple submitters, no conflicts (2 of 4 stars). 4 submissions from 4 submitters: Likely benign (3). 1 of the submissions does not count toward it. Last evaluated 2026-02-01.

Conditions:
WHRN-related disorder. Also called: WHRN-related condition.

Allele frequency attached by ClinVar (database versions not stated): TOPMed below 0.00001; gnomAD 0.00001; gnomAD exomes 0.00004; ExAC 0.00011; 1000 Genomes Project 0.00040; 1000 Genomes Project 30x 0.00047.
gnomAD v4.1: 70 of 1,611,246 alleles (0.0043%); highest among the groups gnomAD compares: South Asian, 0.07%; no homozygotes.

Submissions (4):

Labcorp Genetics (formerly Invitae), Labcorp
Classification: Likely benign. Last evaluated: 2026-02-01. Review status: criteria provided, single submitter. Criteria: Invitae Variant Classification Sherloc (09022015). Collection method: clinical testing. Allele origin: germline.

CeGaT Center for Human Genetics Tuebingen
Classification: Likely benign. Last evaluated: 2024-08-01. Review status: criteria provided, single submitter. Criteria: CeGaT Center For Human Genetics Tuebingen Variant Classification Criteria Version 2. Collection method: clinical testing. Allele origin: germline. Affected: yes. Observed: 1 variant allele.
Comment: WHRN: BP4, BP7

Blueprint Genetics
Classification: Likely benign. Last evaluated: 2023-10-06. Review status: criteria provided, single submitter. Criteria: ACMG Guidelines, 2015. Collection method: clinical testing. Allele origin: germline.

PreventionGenetics, part of Exact Sciences
Classification: Likely benign for WHRN-related condition. Last evaluated: 2019-09-23. Review status: no assertion criteria provided. Collection method: clinical testing. Allele origin: germline. Not counted in ClinVar's aggregate classification.
Comment: This variant is classified as likely benign based on ACMG/AMP sequence variant interpretation guidelines (Richards et al. 2015 PMID: 25741868, with internal and published modifications).

NM_015404.4(WHRN):c.2379G>A (p.Leu793=)

Gene: WHRN (whirlin; minus strand). Cytogenetic location: 9q32.
Variant type: single nucleotide variant.
Coding change: c.2379G>A on transcript NM_015404.4 (MANE Select); coding-DNA position 2379, G replaced by A.
Protein change: p.Leu793=; no amino-acid change (leucine 793 retained).
Molecular consequence: synonymous variant.
Genome position (GRCh38, 1-based): chr9:114,403,935, C>T on the plus strand (G>A on the coding strand, the complement: WHRN is on the minus strand). VCF-style: chr9-114403935-C-T. GRCh37 (hg19) VCF-style: chr9-117166215-C-T.
Other names: c.2379G>A (NM_015404.3); c.1230G>A, p.Leu410= (NM_001083885.3); c.2376G>A, p.Leu792= (NM_001173425.2); c.1326G>A, p.Leu442= (NM_001346890.1).
Identifiers: ClinVar variation 1983959 (VCV001983959.22), dbSNP rs567684055, ClinGen allele CA5205655.